The following is an entry in ClinVar:

NM_022356.4(P3H1):c.1316C>G (p.Ser439Ter)

Gene: P3H1 (prolyl 3-hydroxylase 1; minus strand). Cytogenetic location: 1p34.2.
Variant type: single nucleotide variant.
Coding change: c.1316C>G on transcript NM_022356.4 (MANE Select); coding-DNA position 1316, C replaced by G.
Protein change: p.Ser439Ter; replaces serine 439 with a stop codon.
Molecular consequence: nonsense.
Genome position (GRCh38, 1-based): chr1:42,754,898, G>C on the plus strand (C>G on the coding strand, the complement: P3H1 is on the minus strand). VCF-style: chr1-42754898-G-C. GRCh37 (hg19) VCF-style: chr1-43220569-G-C.
Other names: c.1316C>G, p.Ser439Ter (NM_001146289.2, NM_001243246.2); short protein forms S439*.
Identifiers: ClinVar variation 2784089 (VCV002784089.3), dbSNP rs2524449933, ClinGen allele CA339957504.

ClinVar aggregate classification (germline): Pathogenic (1 of 4 stars; one submission).

Conditions:
Osteogenesis imperfecta type 8 (OI8). Identifiers: MedGen C1970458, MONDO:0012581, OMIM 610915.

Allele frequency attached by ClinVar (database versions not stated): gnomAD exomes below 0.00001.
gnomAD v4.1: 1 of 1,614,130 alleles (0.000062%); highest among the groups gnomAD compares: African/African-American, 0.0013%; no homozygotes.

Submission:

Labcorp Genetics (formerly Invitae), Labcorp
Classification: Pathogenic for Osteogenesis imperfecta type 8. Last evaluated: 2023-10-30. Review status: criteria provided, single submitter. Criteria: Invitae Variant Classification Sherloc (09022015). Collection method: clinical testing. Allele origin: germline.
Comment: This sequence change creates a premature translational stop signal (p.Ser439*) in the P3H1 gene. It is expected to result in an absent or disrupted protein product. Loss-of-function variants in P3H1 are known to be pathogenic (PMID: 17277775, 18566967, 19088120, 22281939). This variant is not present in population databases (gnomAD no frequency). This variant has not been reported in the literature in individuals affected with P3H1-related conditions. For these reasons, this variant has been classified as Pathogenic.

Literature cited by the submitters: PubMed 17277775; PubMed 18566967; PubMed 19088120; PubMed 22281939.